The following is an entry in ClinVar:

NM_001170700.3(DTHD1):c.1094C>A (p.Ala365Glu)

Gene: DTHD1 (death domain containing 1; plus strand). Cytogenetic location: 4p14.
Variant type: single nucleotide variant.
Coding change: c.1094C>A on transcript NM_001170700.3 (MANE Select); coding-DNA position 1094, C replaced by A.
Protein change: p.Ala365Glu; replaces alanine 365 with glutamic acid.
Molecular consequence: missense variant. On other transcripts: non-coding transcript variant (2).
Genome position (GRCh38, 1-based): chr4:36,290,579, C>A. VCF-style: chr4-36290579-C-A. GRCh37 (hg19) VCF-style: chr4-36292201-C-A.
Other names: c.224C>A, p.Ala75Glu (NM_001136536.5, NM_001378435.1); short protein forms A365E, A75E.
Identifiers: ClinVar variation 2014398 (VCV002014398.4), dbSNP rs2529718196, ClinGen allele CA356679022.

ClinVar aggregate classification (germline): Uncertain significance (1 of 4 stars; one submission).

Submission:

Labcorp Genetics (formerly Invitae), Labcorp
Classification: Uncertain significance. Last evaluated: 2024-10-21. Review status: criteria provided, single submitter. Criteria: Invitae Variant Classification Sherloc (09022015). Collection method: clinical testing. Allele origin: germline.
Comment: This sequence change replaces alanine, which is neutral and non-polar, with glutamic acid, which is acidic and polar, at codon 75 of the DTHD1 protein (p.Ala75Glu). This variant is not present in population databases (gnomAD no frequency). This variant has not been reported in the literature in individuals affected with DTHD1-related conditions. ClinVar contains an entry for this variant (Variation ID: 2014398). An algorithm developed to predict the effect of missense changes on protein structure and function (PolyPhen-2) suggests that this variant is likely to be disruptive. In summary, the available evidence is currently insufficient to determine the role of this variant in disease. Therefore, it has been classified as a Variant of Uncertain Significance.